The following is an entry in ClinVar:

NM_004522.3(KIF5C):c.-26G>C

Gene: KIF5C (kinesin family member 5C; plus strand). Cytogenetic location: 2q23.1.
Variant type: single nucleotide variant.
Coding change: c.-26G>C on transcript NM_004522.3 (MANE Select); 26 bases upstream of the start codon, G replaced by C.
Molecular consequence: 5 prime UTR variant.
Genome position (GRCh38, 1-based): chr2:148,875,592, G>C. VCF-style: chr2-148875592-G-C. GRCh37 (hg19) VCF-style: chr2-149633161-G-C.
Identifiers: ClinVar variation 507276 (VCV000507276.1), dbSNP rs1448746101, ClinGen allele CA536920401.

ClinVar aggregate classification (germline): Likely benign (1 of 4 stars; one submission).

Submission:

GeneDx
Classification: Likely benign. Last evaluated: 2017-02-08. Review status: criteria provided, single submitter. Criteria: GeneDx Variant Classification (06012015). Collection method: clinical testing. Allele origin: germline. Affected: yes.
Comment: This variant is considered likely benign or benign based on one or more of the following criteria: it is a conservative change, it occurs at a poorly conserved position in the protein, it is predicted to be benign by multiple in silico algorithms, and/or has population frequency not consistent with disease.